The following is an entry in ClinVar:

ClinVar aggregate classification (germline): Uncertain significance (1 of 4 stars; one submission).

Submission:

GeneDx
Classification: Uncertain significance. Last evaluated: 2023-06-14. Review status: criteria provided, single submitter. Criteria: GeneDx Variant Classification Process June 2021. Collection method: clinical testing. Allele origin: germline. Affected: yes.
Comment: Not observed at significant frequency in large population cohorts (gnomAD); In silico analysis supports that this missense variant has a deleterious effect on protein structure/function; Has not been previously published as pathogenic or benign to our knowledge

NM_021005.4(NR2F2):c.302G>T (p.Ser101Ile)

Gene: NR2F2 (nuclear receptor subfamily 2 group F member 2; plus strand). Cytogenetic location: 15q26.2.
Variant type: single nucleotide variant.
Coding change: c.302G>T on transcript NM_021005.4 (MANE Select); coding-DNA position 302, G replaced by T.
Protein change: p.Ser101Ile; replaces serine 101 with isoleucine.
Molecular consequence: missense variant. On other transcripts: intron variant (1).
Genome position (GRCh38, 1-based): chr15:96,332,407, G>T. VCF-style: chr15-96332407-G-T. GRCh37 (hg19) VCF-style: chr15-96875636-G-T.
Other names: c.44-1669G>T (NM_001145155.2); short protein forms S101I.
Identifiers: ClinVar variation 3359688 (VCV003359688.1).